The following is an entry in ClinVar:

NM_000179.3(MSH6):c.118del (p.Ala40fs)

Gene: MSH6 (mutS homolog 6; plus strand). Cytogenetic location: 2p16.3.
Variant type: Deletion.
Coding change: c.118del on transcript NM_000179.3 (MANE Select); coding-DNA position 118, one base deleted (G; older notation c.118delG).
Protein change: p.Ala40fs; shifts the reading frame from alanine 40.
Molecular consequence: frameshift variant. On other transcripts: 5 prime UTR variant (1).
Genome position (GRCh38, 1-based): chr2:47,783,351, G deleted; the last of 4 consecutive G bases (chr2:47,783,348-47,783,351); deleting any one gives the same sequence. VCF-style (leftmost placement, unchanged base first): chr2-47783347-CG-C. GRCh37 (hg19) VCF-style: chr2-48010486-CG-C.
Other names: c.118del, p.Ala40fs (NM_001281492.2); c.-619del (NM_001281493.2); short protein forms A40fs.
Identifiers: ClinVar variation 1073540 (VCV001073540.8), dbSNP rs2103936997, ClinGen allele CA2499216083.

ClinVar aggregate classification (germline): Pathogenic. Review status: criteria provided, multiple submitters, no conflicts (2 of 4 stars). 2 submissions from 2 submitters: Pathogenic (2). Last evaluated 2023-08-09.

Conditions:
Hereditary nonpolyposis colorectal neoplasms. Identifiers: MedGen C0009405, MeSH D003123.
Lynch syndrome 5 (LYNCH5). Also called: Colorectal cancer, hereditary nonpolyposis, type 5; Hereditary non-polyposis colorectal cancer, type 5. Identifiers: Orphanet 144, MedGen C1833477, MONDO:0013710, OMIM 614350. Disease mechanism: loss of function.

Submissions (2):

Myriad Genetics, Inc.
Classification: Pathogenic for Lynch syndrome 5. Last evaluated: 2023-08-09. Review status: criteria provided, single submitter. Criteria: Myriad Autosomal Dominant, Autosomal Recessive and X-Linked Classification Criteria (2023). Collection method: clinical testing. Allele origin: unknown.
Comment: This variant is considered pathogenic. This variant creates a frameshift predicted to result in premature protein truncation.

Labcorp Genetics (formerly Invitae), Labcorp
Classification: Pathogenic for Hereditary nonpolyposis colorectal neoplasms. Last evaluated: 2020-06-18. Review status: criteria provided, single submitter. Criteria: Invitae Variant Classification Sherloc (09022015). Collection method: clinical testing. Allele origin: germline.
Comment: This variant has not been reported in the literature in individuals with MSH6-related conditions. This sequence change creates a premature translational stop signal (p.Ala40Profs*41) in the MSH6 gene. It is expected to result in an absent or disrupted protein product. This variant is not present in population databases (ExAC no frequency). Loss-of-function variants in MSH6 are known to be pathogenic (PMID: 18269114, 24362816). For these reasons, this variant has been classified as Pathogenic.

Literature cited by the submitters: PubMed 18269114 (cited by Labcorp Genetics (formerly Invitae), Labcorp); PubMed 24362816 (cited by Labcorp Genetics (formerly Invitae), Labcorp).